The following is an entry in ClinVar:

NM_153460.4(IL17RC):c.883C>T (p.Arg295Cys)

Gene: IL17RC (interleukin 17 receptor C; plus strand). Cytogenetic location: 3p25.3.
Variant type: single nucleotide variant.
Coding change: c.883C>T on transcript NM_153460.4 (MANE Select); coding-DNA position 883, C replaced by T.
Protein change: p.Arg295Cys; replaces arginine 295 with cysteine.
Molecular consequence: missense variant. On other transcripts: non-coding transcript variant (1).
Genome position (GRCh38, 1-based): chr3:9,928,310, C>T. VCF-style: chr3-9928310-C-T. GRCh37 (hg19) VCF-style: chr3-9969994-C-T.
Other names: c.883C>T, p.Arg295Cys (NM_001203263.2, NM_001203264.2); c.838C>T, p.Arg280Cys (NM_001203265.2, NM_001367280.1, NM_032732.6); c.844C>T, p.Arg282Cys (NM_001367278.1); c.763C>T, p.Arg255Cys (NM_001367279.1); c.1096C>T, p.Arg366Cys (NM_153461.4); short protein forms R295C, R366C, R255C, R280C, R282C.
Identifiers: ClinVar variation 664224 (VCV000664224.10), dbSNP rs199673084, ClinGen allele CA2247061.
Genomic context (GRCh38, chr3:9,928,310, plus strand): 5'-GGGTGTTGCGAGCGATGGGTACCTGGCCTGCGGTGACTGTGCCCTTTCCTTGCAGACCCC[C>T]GCGCACACCAGAACCTCTGGCAAGCCGCCCGACTGCAACTGCTGACCCTGCAGAGCTGGC-3'
Protein context (NP_703190.2, residues 285-305): TNICPFREDP[Arg295Cys]AHQNLWQAAR

ClinVar aggregate classification (germline): Uncertain significance. Review status: criteria provided, multiple submitters, no conflicts (2 of 4 stars). 3 submissions from 3 submitters: Uncertain significance (3). Last evaluated 2025-12-26.

Conditions:
Candidiasis, familial, 9 (CANDF9). Identifiers: Orphanet 1334, MedGen C4225324, MONDO:0014642, OMIM 616445.

Allele frequency attached by ClinVar (database versions not stated): gnomAD 0.00004 and 0.00005; gnomAD exomes 0.00008 and 0.00013; TOPMed 0.00010; ExAC 0.00012; 1000 Genomes Project 30x 0.00031.

Submissions (3):

Labcorp Genetics (formerly Invitae), Labcorp
Classification: Uncertain significance for Candidiasis, familial, 9. Last evaluated: 2025-12-26. Review status: criteria provided, single submitter. Criteria: Invitae Variant Classification Sherloc (09022015). Collection method: clinical testing. Allele origin: germline.
Comment: This sequence change replaces arginine, which is basic and polar, with cysteine, which is neutral and slightly polar, at codon 366 of the IL17RC protein (p.Arg366Cys). This variant is present in population databases (rs199673084, gnomAD 0.06%), and has an allele count higher than expected for a pathogenic variant. This variant has not been reported in the literature in individuals affected with IL17RC-related conditions. ClinVar contains an entry for this variant (Variation ID: 664224). An algorithm developed to predict the effect of missense changes on protein structure and function (PolyPhen-2) suggests that this variant is likely to be disruptive. In summary, the available evidence is currently insufficient to determine the role of this variant in disease. Therefore, it has been classified as a Variant of Uncertain Significance.

Ambry Genetics
Classification: Uncertain significance. Last evaluated: 2021-09-16. Review status: criteria provided, single submitter. Criteria: Ambry Variant Classification Scheme 2023. Collection method: clinical testing. Allele origin: germline.

Breakthrough Genomics
Classification: Uncertain significance. Review status: criteria provided, single submitter. Criteria: ACMG Guidelines, 2015. Collection method: not provided. Allele origin: germline. Inheritance: Autosomal recessive inheritance. Affected: yes.